The following is an entry in ClinVar:

ClinVar aggregate classification (germline): Uncertain significance (1 of 4 stars; one submission).

Conditions:
Hereditary cancer-predisposing syndrome. Also called: Tumor predisposition; Hereditary Cancer Syndrome; Hereditary neoplastic syndrome; Neoplastic Syndromes, Hereditary. Identifiers: Orphanet 140162, MedGen C0027672, MeSH D009386, MONDO:0015356.

Submission:

Ambry Genetics
Classification: Uncertain significance for Hereditary cancer-predisposing syndrome. Last evaluated: 2025-11-12. Review status: criteria provided, single submitter. Criteria: Ambry Variant Classification Scheme 2023. Collection method: clinical testing. Allele origin: germline.
Comment: The p.M388I variant (also known as c.1164G>A), located in coding exon 9 of the SDHA gene, results from a G to A substitution at nucleotide position 1164. The methionine at codon 388 is replaced by isoleucine, an amino acid with highly similar properties. This amino acid position is highly conserved in available vertebrate species. In addition, the in silico prediction for this alteration is inconclusive. Based on the available evidence, the clinical significance of this variant remains unclear.

NM_004168.4(SDHA):c.1164G>A (p.Met388Ile)

Gene: SDHA (succinate dehydrogenase complex flavoprotein subunit A; plus strand). Cytogenetic location: 5p15.33.
Variant type: single nucleotide variant.
Coding change: c.1164G>A on transcript NM_004168.4 (MANE Select); coding-DNA position 1164, G replaced by A.
Protein change: p.Met388Ile; replaces methionine 388 with isoleucine.
Molecular consequence: missense variant.
Genome position (GRCh38, 1-based): chr5:235,243, G>A. VCF-style: chr5-235243-G-A. GRCh37 (hg19) VCF-style: chr5-235358-G-A.
Other names: c.1020G>A, p.Met340Ile (NM_001294332.2); c.1164G>A, p.Met388Ile (NM_001330758.2); short protein forms M340I, M388I.
Identifiers: ClinVar variation 4546590 (VCV004546590.1).
Genomic context (GRCh38, chr5:235,243, plus strand): 5'-GCACCACCTACCTCCAGAGCAGCTGGCCACGCGCCTGCCTGGCATTTCAGAGACAGCCAT[G>A]ATCTTCGCTGGCGTGGACGTCACGAAGGAGCCGATCCCTGTCCTCCCCACCGTGCATTAT-3'
Protein context (NP_004159.2, residues 378-398): TRLPGISETA[Met388Ile]IFAGVDVTKE